The following is an entry in ClinVar:

ClinVar aggregate classification (germline): Uncertain significance. Review status: criteria provided, multiple submitters, no conflicts (2 of 4 stars). 2 submissions from 2 submitters: Uncertain significance (2). Last evaluated 2024-10-15.

Allele frequency attached by ClinVar (database versions not stated): gnomAD 0.00001; gnomAD exomes 0.00001; TOPMed 0.00001; ExAC 0.00003.
gnomAD v4.1: 25 of 1,609,090 alleles (0.0016%); highest among the groups gnomAD compares: East Asian, 0.027%; no homozygotes.

Submissions (2):

Labcorp Genetics (formerly Invitae), Labcorp
Classification: Uncertain significance. Last evaluated: 2024-10-15. Review status: criteria provided, single submitter. Criteria: Invitae Variant Classification Sherloc (09022015). Collection method: clinical testing. Allele origin: germline.
Comment: This sequence change replaces glycine, which is neutral and non-polar, with alanine, which is neutral and non-polar, at codon 488 of the SLC24A5 protein (p.Gly488Ala). This variant is present in population databases (rs375342833, gnomAD 0.06%). This variant has not been reported in the literature in individuals affected with SLC24A5-related conditions. ClinVar contains an entry for this variant (Variation ID: 2201680). Invitae Evidence Modeling of protein sequence and biophysical properties (such as structural, functional, and spatial information, amino acid conservation, physicochemical variation, residue mobility, and thermodynamic stability) indicates that this missense variant is expected to disrupt SLC24A5 protein function with a positive predictive value of 80%. In summary, the available evidence is currently insufficient to determine the role of this variant in disease. Therefore, it has been classified as a Variant of Uncertain Significance.

Blueprint Genetics
Classification: Uncertain significance. Last evaluated: 2024-03-05. Review status: criteria provided, single submitter. Criteria: ACMG Guidelines, 2015. Collection method: clinical testing. Allele origin: germline.

NM_205850.3(SLC24A5):c.1463G>C (p.Gly488Ala)

Genes: MYEF2 (myelin expression factor 2; minus strand), SLC24A5 (solute carrier family 24 member 5; plus strand). Cytogenetic location: 15q21.1.
Variant type: single nucleotide variant.
Coding change: c.1463G>C on transcript NM_205850.3 (MANE Select); coding-DNA position 1463, G replaced by C.
Protein change: p.Gly488Ala; replaces glycine 488 with alanine.
Molecular consequence: missense variant. On other transcripts: 3 prime UTR variant (2).
Genome position (GRCh38, 1-based): chr15:48,142,311, G>C. VCF-style: chr15-48142311-G-C. GRCh37 (hg19) VCF-style: chr15-48434508-G-C.
Other names: c.*597C>G (NM_001301210.2, NM_016132.5); short protein forms G488A.
Identifiers: ClinVar variation 2201680 (VCV002201680.4), dbSNP rs375342833, ClinGen allele CA7546140.